The following is an entry in ClinVar:

NM_206933.4(USH2A):c.3068G>A (p.Cys1023Tyr)

Genes: USH2A (usherin; minus strand), USH2A-AS1 (USH2A antisense RNA 1; plus strand). Cytogenetic location: 1q41.
Variant type: single nucleotide variant.
Coding change: c.3068G>A on transcript NM_206933.4 (MANE Select); coding-DNA position 3068, G replaced by A.
Protein change: p.Cys1023Tyr; replaces cysteine 1023 with tyrosine.
Molecular consequence: missense variant.
Genome position (GRCh38, 1-based): chr1:216,217,476, C>T on the plus strand (G>A on the coding strand, the complement: USH2A is on the minus strand). VCF-style: chr1-216217476-C-T. GRCh37 (hg19) VCF-style: chr1-216390818-C-T.
Other names: c.3068G>A, p.Cys1023Tyr (NM_007123.6); short protein forms C1023Y.
Identifiers: ClinVar variation 865792 (VCV000865792.4), dbSNP rs1391032458, ClinGen allele CA344862867.

ClinVar aggregate classification (germline): Uncertain significance. Review status: criteria provided, multiple submitters, no conflicts (2 of 4 stars). 4 submissions from 3 submitters: Uncertain significance (4). Last evaluated 2023-11-04.

Conditions:
Usher syndrome type 2A. Also called: RETINAL DISEASE IN USHER SYNDROME TYPE IIA, MODIFIER OF; USHER SYNDROME, TYPE IIA. Identifiers: Orphanet 231178, Orphanet 886, MedGen C1848634, MONDO:0010169, OMIM 276901.
Retinitis pigmentosa 39 (RP39). Identifiers: Orphanet 791, MedGen C3151138, MONDO:0013436, OMIM 613809.

Allele frequency attached by ClinVar (database versions not stated): gnomAD exomes below 0.00001; gnomAD 0.00001; TOPMed 0.00001.
gnomAD v4.1: 2 of 1,613,198 alleles (0.00012%); highest among the groups gnomAD compares: African/African-American, 0.0013%; no homozygotes.

Submissions (4):

Genome-Nilou Lab
Classification: Uncertain significance for Retinitis pigmentosa 39. Last evaluated: 2023-11-04. Review status: criteria provided, single submitter. Criteria: ACMG Guidelines, 2015. Collection method: clinical testing. Allele origin: germline. Affected: no.

Genome-Nilou Lab
Classification: Uncertain significance for Usher syndrome type 2A. Last evaluated: 2023-11-04. Review status: criteria provided, single submitter. Criteria: ACMG Guidelines, 2015. Collection method: clinical testing. Allele origin: germline. Affected: no.

GeneDx
Classification: Uncertain significance. Last evaluated: 2022-12-02. Review status: criteria provided, single submitter. Criteria: GeneDx Variant Classification Process June 2021. Collection method: clinical testing. Allele origin: germline. Affected: yes.
Comment: Not observed at significant frequency in large population cohorts (gnomAD); In silico analysis supports that this missense variant has a deleterious effect on protein structure/function; Has not been previously published as pathogenic or benign to our knowledge

Blueprint Genetics
Classification: Uncertain significance. Last evaluated: 2021-09-29. Review status: criteria provided, single submitter. Criteria: ACMG Guidelines, 2015. Collection method: clinical testing. Allele origin: germline.